The following is an entry in ClinVar:

ClinVar aggregate classification (germline): Likely benign. Review status: criteria provided, multiple submitters, no conflicts (2 of 4 stars). 3 submissions from 3 submitters: Likely benign (3). Last evaluated 2026-05-01.

Conditions:
Cardiovascular phenotype. Identifiers: MedGen CN230736.
Cholestanol storage disease (CTX). Also called: Cerebrotendinous Xanthomatosis; CTX: Cerebrotendinous xanthomatosis; CEREBRAL CHOLESTERINOSIS. Identifiers: Orphanet 909, MedGen C0238052, MONDO:0008948, OMIM 213700.

Allele frequency attached by ClinVar (database versions not stated): gnomAD exomes below 0.00001 and 0.00001; ExAC 0.00001; gnomAD 0.00001; TOPMed 0.00001.
gnomAD v4.1: 12 of 1,614,056 alleles (0.00074%); highest among the groups gnomAD compares: South Asian, 0.0044%; no homozygotes.

Submissions (3):

CeGaT Center for Human Genetics Tuebingen
Classification: Likely benign. Last evaluated: 2026-05-01. Review status: criteria provided, single submitter. Criteria: CeGaT Center For Human Genetics Tuebingen Variant Classification Criteria Version 2. Collection method: clinical testing. Allele origin: germline. Affected: yes. Observed: 1 variant allele.
Comment: CYP27A1: BP4, BP7

Labcorp Genetics (formerly Invitae), Labcorp
Classification: Likely benign for Cholestanol storage disease. Last evaluated: 2026-01-19. Review status: criteria provided, single submitter. Criteria: Invitae Variant Classification Sherloc (09022015). Collection method: clinical testing. Allele origin: germline.

Ambry Genetics
Classification: Likely benign for Cardiovascular phenotype. Last evaluated: 2020-09-01. Review status: criteria provided, single submitter. Criteria: Ambry Variant Classification Scheme 2023. Collection method: clinical testing. Allele origin: germline.

NM_000784.4(CYP27A1):c.516G>A (p.Ala172=)

Gene: CYP27A1 (cytochrome P450 family 27 subfamily A member 1; plus strand). Cytogenetic location: 2q35.
Variant type: single nucleotide variant.
Coding change: c.516G>A on transcript NM_000784.4 (MANE Select); coding-DNA position 516, G replaced by A.
Protein change: p.Ala172=; no amino-acid change (alanine 172 retained).
Molecular consequence: synonymous variant.
Genome position (GRCh38, 1-based): chr2:218,812,291, G>A. VCF-style: chr2-218812291-G-A. GRCh37 (hg19) VCF-style: chr2-219677014-G-A.
Identifiers: ClinVar variation 1567684 (VCV001567684.12), dbSNP rs749708223, ClinGen allele CA2112633.